The following is an entry in ClinVar:

NM_020937.4(FANCM):c.5584G>A (p.Val1862Met)

Gene: FANCM (FA complementation group M; plus strand). Cytogenetic location: 14q21.2.
Variant type: single nucleotide variant.
Coding change: c.5584G>A on transcript NM_020937.4 (MANE Select); coding-DNA position 5584, G replaced by A.
Protein change: p.Val1862Met; replaces valine 1862 with methionine.
Molecular consequence: missense variant.
Genome position (GRCh38, 1-based): chr14:45,196,415, G>A. VCF-style: chr14-45196415-G-A. GRCh37 (hg19) VCF-style: chr14-45665618-G-A.
Other names: c.5506G>A, p.Val1836Met (NM_001308133.2); short protein forms V1836M, V1862M.
Identifiers: ClinVar variation 1024618 (VCV001024618.8), dbSNP rs1280753248, ClinGen allele CA389586177.

ClinVar aggregate classification (germline): Uncertain significance (1 of 4 stars; one submission).

Conditions:
Fanconi anemia (FA). Also called: Fanconi's anemia. Identifiers: Orphanet 84, MedGen C0015625, MeSH D005199, MONDO:0019391.

Allele frequency attached by ClinVar (database versions not stated): TOPMed 0.00001.
gnomAD v4.1: 4 of 1,614,154 alleles (0.00025%); highest among the groups gnomAD compares: East Asian, 0.0022%; no homozygotes.

Submission:

Labcorp Genetics (formerly Invitae), Labcorp
Classification: Uncertain significance for Fanconi anemia. Last evaluated: 2020-06-01. Review status: criteria provided, single submitter. Criteria: Invitae Variant Classification Sherloc (09022015). Collection method: clinical testing. Allele origin: germline.
Comment: This sequence change replaces valine with methionine at codon 1862 of the FANCM protein (p.Val1862Met). The valine residue is weakly conserved and there is a small physicochemical difference between valine and methionine. This variant is not present in population databases (ExAC no frequency). In summary, the available evidence is currently insufficient to determine the role of this variant in disease. Therefore, it has been classified as a Variant of Uncertain Significance. Algorithms developed to predict the effect of missense changes on protein structure and function are either unavailable or do not agree on the potential impact of this missense change (SIFT: "Tolerated"; PolyPhen-2: "Probably Damaging"; Align-GVGD: "Class C0"). This variant has not been reported in the literature in individuals with FANCM-related conditions.